The following is an entry in ClinVar:

ClinVar aggregate classification (germline): Uncertain significance (1 of 4 stars; one submission).

Conditions:
SMARCAL1-related disorder. Also called: SMARCAL1-related condition.

Allele frequency attached by ClinVar (database versions not stated): gnomAD exomes 0.00001.
gnomAD v4.1: 3 of 1,614,230 alleles (0.00019%); highest among the groups gnomAD compares: Non-Finnish European, 0.00025%; no homozygotes.

Submission:

PreventionGenetics, part of Exact Sciences
Classification: Uncertain significance for SMARCAL1-related condition. Last evaluated: 2023-02-22. Review status: criteria provided, single submitter. Criteria: ACMG Guidelines, 2015. Collection method: clinical testing. Allele origin: germline.
Comment: The SMARCAL1 c.1225C>G variant is predicted to result in the amino acid substitution p.Leu409Val. To our knowledge, this variant has not been reported in the literature or in a large population database, indicating this variant is rare. At this time, the clinical significance of this variant is uncertain due to the absence of conclusive functional and genetic evidence.

NM_014140.4(SMARCAL1):c.1225C>G (p.Leu409Val)

Gene: SMARCAL1 (SNF2 related chromatin remodeling annealing helicase 1; plus strand). Cytogenetic location: 2q35.
Variant type: single nucleotide variant.
Coding change: c.1225C>G on transcript NM_014140.4 (MANE Select); coding-DNA position 1225, C replaced by G.
Protein change: p.Leu409Val; replaces leucine 409 with valine.
Molecular consequence: missense variant.
Genome position (GRCh38, 1-based): chr2:216,428,673, C>G. VCF-style: chr2-216428673-C-G. GRCh37 (hg19) VCF-style: chr2-217293396-C-G.
Other names: c.1225C>G, p.Leu409Val (NM_001127207.2); short protein forms L409V.
Identifiers: ClinVar variation 2630464 (VCV002630464.1), dbSNP rs2469633272, ClinGen allele CA350499556.